The following is an entry in ClinVar:

ClinVar aggregate classification (germline): Uncertain significance (1 of 4 stars; one submission).

Conditions:
Warburg micro syndrome 2 (WARBM2). Also called: MICRO SYNDROME 2. Identifiers: Orphanet 2510, MedGen C3280214, MONDO:0013641, OMIM 614225.
Martsolf syndrome (MARTS). Also called: Congenital cataract with intellectual disability and hypogonadotropic hypogonadism syndrome. Identifiers: Orphanet 1387, MedGen C0796037, MONDO:0023910.

Allele frequency attached by ClinVar (database versions not stated): gnomAD 0.00001; TOPMed 0.00002.
gnomAD v4.1: 1 of 1,613,676 alleles (0.000062%); highest among the groups gnomAD compares: Non-Finnish European, 0.000085%; no homozygotes.

Submission:

Labcorp Genetics (formerly Invitae), Labcorp
Classification: Uncertain significance for Martsolf syndrome; Warburg micro syndrome 2. Last evaluated: 2023-12-06. Review status: criteria provided, single submitter. Criteria: Invitae Variant Classification Sherloc (09022015). Collection method: clinical testing. Allele origin: germline.
Comment: This sequence change replaces phenylalanine, which is neutral and non-polar, with leucine, which is neutral and non-polar, at codon 740 of the RAB3GAP2 protein (p.Phe740Leu). This variant is present in population databases (no rsID available, gnomAD 0.0009%). This variant has not been reported in the literature in individuals affected with RAB3GAP2-related conditions. Advanced modeling of protein sequence and biophysical properties (such as structural, functional, and spatial information, amino acid conservation, physicochemical variation, residue mobility, and thermodynamic stability) performed at Invitae indicates that this missense variant is not expected to disrupt RAB3GAP2 protein function with a negative predictive value of 80%. In summary, the available evidence is currently insufficient to determine the role of this variant in disease. Therefore, it has been classified as a Variant of Uncertain Significance.

NM_012414.4(RAB3GAP2):c.2220C>A (p.Phe740Leu)

Gene: RAB3GAP2 (RAB3 GTPase activating non-catalytic protein subunit 2; minus strand). Cytogenetic location: 1q41.
Variant type: single nucleotide variant.
Coding change: c.2220C>A on transcript NM_012414.4 (MANE Select); coding-DNA position 2220, C replaced by A.
Protein change: p.Phe740Leu; replaces phenylalanine 740 with leucine.
Molecular consequence: missense variant.
Genome position (GRCh38, 1-based): chr1:220,182,347, G>T on the plus strand (C>A on the coding strand, the complement: RAB3GAP2 is on the minus strand). VCF-style: chr1-220182347-G-T. GRCh37 (hg19) VCF-style: chr1-220355689-G-T.
Other names: short protein forms F740L.
Identifiers: ClinVar variation 2937885 (VCV002937885.3), dbSNP rs1365225737, ClinGen allele CA344641989.